The following is an entry in ClinVar:

NM_005629.4(SLC6A8):c.964G>T (p.Gly322Trp)

Gene: SLC6A8 (solute carrier family 6 member 8; plus strand). Cytogenetic location: Xq28.
Variant type: single nucleotide variant.
Coding change: c.964G>T on transcript NM_005629.4 (MANE Select); coding-DNA position 964, G replaced by T.
Protein change: p.Gly322Trp; replaces glycine 322 with tryptophan.
Molecular consequence: missense variant.
Genome position (GRCh38, 1-based): chrX:153,693,314, G>T. VCF-style: chrX-153693314-G-T. GRCh37 (hg19) VCF-style: chrX-152958769-G-T.
Other names: c.964G>T (NM_005629.3); c.964G>T, p.Gly322Trp (NM_001142805.2); c.619G>T, p.Gly207Trp (NM_001142806.1); short protein forms G207W, G322W.
Identifiers: ClinVar variation 818161 (VCV000818161.4), dbSNP rs1603216830, ClinGen allele CA415084656.
Genomic context (GRCh38, chrX:153,693,314, plus strand): 5'-CTTCTCTAGGTGTGGATAGATGCGGGGACCCAGATTTTCTTTTCTTACGCCATTGGCCTG[G>T]GGGCCCTCACAGCCCTGGGCAGCTACAACCGCTTCAACAACAACTGCTACAAGTAAGCAC-3'
Protein context (NP_005620.1, residues 312-332): QIFFSYAIGL[Gly322Trp]ALTALGSYNR

ClinVar aggregate classification (germline): Likely pathogenic (1 of 4 stars; one submission).

Conditions:
Creatine transporter deficiency (CCDS1). Also called: Creatine Transporter (CRTR) Deficiency; Mental retardation , X-linked with seizures, short stature and midface hypoplasia; Mental retardation , X-linked, with creatine transport deficiency; X-linked creatine transporter deficiency; X-linked creatine deficiency syndrome; SLC6A8-Related Creatine Transporter Deficiency. Identifiers: Orphanet 52503, MedGen C1845862, MONDO:0010305, OMIM 300352.

Submission:

GeneDx
Classification: Likely pathogenic. Last evaluated: 2025-10-22. Review status: criteria provided, single submitter. Criteria: GeneDx Variant Classification Process June 2021. Collection method: clinical testing. Allele origin: germline. Affected: yes.
Comment: Observed in hemizygous state in a patient with creatine transporter deficiency in the literature, but additional clinical information was not provided (PMID: 34050321, 37850681); Published functional studies demonstrate a damaging effect on creatine transport (PMID: 38070861); Not observed at significant frequency in large population cohorts (gnomAD); In silico analysis supports that this missense variant has a deleterious effect on protein structure/function; This variant is associated with the following publications: (PMID: 34050321, 37850681, 38070861)